The following is an entry in ClinVar:

NM_000400.4(ERCC2):c.527A>T (p.Asn176Ile)

Gene: ERCC2 (ERCC excision repair 2, TFIIH core complex helicase subunit; minus strand). Cytogenetic location: 19q13.32.
Variant type: single nucleotide variant.
Coding change: c.527A>T on transcript NM_000400.4 (MANE Select); coding-DNA position 527, A replaced by T.
Protein change: p.Asn176Ile; replaces asparagine 176 with isoleucine.
Molecular consequence: missense variant.
Genome position (GRCh38, 1-based): chr19:45,364,905, T>A on the plus strand (A>T on the coding strand, the complement: ERCC2 is on the minus strand). VCF-style: chr19-45364905-T-A. GRCh37 (hg19) VCF-style: chr19-45868163-T-A.
Other names: c.455A>T, p.Asn152Ile (NM_001130867.2); short protein forms N152I, N176I.
Identifiers: ClinVar variation 2566681 (VCV002566681.2), dbSNP rs146137795, ClinGen allele CA406375721.

ClinVar aggregate classification (germline): Uncertain significance (1 of 4 stars; one submission).

Conditions:
Inborn genetic diseases. Identifiers: MedGen C0950123, MeSH D030342.

Submission:

Ambry Genetics
Classification: Uncertain significance for Inborn genetic diseases. Last evaluated: 2023-04-05. Review status: criteria provided, single submitter. Criteria: Ambry Variant Classification Scheme 2023. Collection method: clinical testing. Allele origin: germline.
Comment: The p.N176I variant (also known as c.527A>T), located in coding exon 7 of the ERCC2 gene, results from an A to T substitution at nucleotide position 527. The asparagine at codon 176 is replaced by isoleucine, an amino acid with dissimilar properties. This amino acid position is conserved. In addition, the in silico prediction for this alteration is inconclusive. Since supporting evidence is limited at this time, the clinical significance of this alteration remains unclear.